The following is an entry in ClinVar:

NM_006231.4(POLE):c.1359+10C>G

Gene: POLE (DNA polymerase epsilon, catalytic subunit; minus strand). Cytogenetic location: 12q24.33.
Variant type: single nucleotide variant.
Coding change: c.1359+10C>G on transcript NM_006231.4 (MANE Select); 10 bases into the intron after coding-DNA position 1359, C replaced by G.
Molecular consequence: intron variant.
Genome position (GRCh38, 1-based): chr12:132,673,565, G>C on the plus strand (C>G on the coding strand, the complement: POLE is on the minus strand). VCF-style: chr12-132673565-G-C. GRCh37 (hg19) VCF-style: chr12-133250151-G-C.
Identifiers: ClinVar variation 1132219 (VCV001132219.10), dbSNP rs2042979137, ClinGen allele CA2073001824.
Genomic context (GRCh38, chr12:132,673,565, plus strand): 5'-TGGGGCTGCTCCGTGGCCATCTGGATGCGTGCACACGGCAGCAGGGGCAGCCGGGATGTG[G>C]CTTACGTGCCTGGGGCTGCTCCGTGGCCATCCGGCACATGTCCTCCGGGTCTAGCTCCAC-3'

ClinVar aggregate classification (germline): Likely benign. Review status: criteria provided, multiple submitters, no conflicts (2 of 4 stars). 2 submissions from 2 submitters: Likely benign (2). Last evaluated 2025-02-11.

Conditions:
Colorectal cancer, susceptibility to, 12 (CRCS12). Also called: COLORECTAL CANCER, SUSCEPTIBILITY TO, ON CHROMOSOME 12q24. Identifiers: Orphanet 220460, MedGen C3554460, MONDO:0014038, OMIM 615083.

Allele frequency attached by ClinVar (database versions not stated): TOPMed below 0.00001; gnomAD exomes 0.00001.
gnomAD v4.1: 17 of 1,601,538 alleles (0.0011%); highest among the groups gnomAD compares: Non-Finnish European, 0.0014%; no homozygotes.

Submissions (2):

Myriad Genetics, Inc.
Classification: Likely benign for Colorectal cancer, susceptibility to, 12. Last evaluated: 2025-02-11. Review status: criteria provided, single submitter. Criteria: Myriad Autosomal Dominant, Autosomal Recessive and X-Linked Classification Criteria (2023). Collection method: clinical testing. Allele origin: unknown.
Comment: This variant is considered likely benign. This variant is intronic and is not expected to impact mRNA splicing.

Labcorp Genetics (formerly Invitae), Labcorp
Classification: Likely benign. Last evaluated: 2023-08-11. Review status: criteria provided, single submitter. Criteria: Invitae Variant Classification Sherloc (09022015). Collection method: clinical testing. Allele origin: germline.